The following is an entry in ClinVar:

NM_000444.6(PHEX):c.1357_1358del (p.Glu453fs)

Gene: PHEX (phosphate regulating endopeptidase X-linked; plus strand). Cytogenetic location: Xp22.11.
Variant type: Deletion.
Coding change: c.1357_1358del on transcript NM_000444.6 (MANE Select); coding-DNA positions 1357 to 1358, 2 bases deleted (GA; older notation c.1357_1358delGA).
Protein change: p.Glu453fs; shifts the reading frame from glutamic acid 453.
Molecular consequence: frameshift variant.
Genome position (GRCh38, 1-based): chrX:22,133,577-22,133,578, GA deleted; deleting any 2 consecutive bases within chrX:22,133,576-22,133,578 gives the same sequence; the c. name uses the placement nearest the transcript's 3' end. VCF-style (leftmost placement, unchanged base first): chrX-22133575-AAG-A. GRCh37 (hg19) VCF-style: chrX-22151692-AAG-A.
Other names: c.1357_1358del, p.Glu453fs (NM_001282754.2); short protein forms E453fs.
Identifiers: ClinVar variation 2088723 (VCV002088723.4), dbSNP rs2518548205, ClinGen allele CA2580100462.

ClinVar aggregate classification (germline): Pathogenic (1 of 4 stars; one submission).

Submission:

Labcorp Genetics (formerly Invitae), Labcorp
Classification: Pathogenic. Last evaluated: 2022-01-21. Review status: criteria provided, single submitter. Criteria: Invitae Variant Classification Sherloc (09022015). Collection method: clinical testing. Allele origin: germline.
Comment: This sequence change creates a premature translational stop signal (p.Glu453Lysfs*2) in the PHEX gene. It is expected to result in an absent or disrupted protein product. Loss-of-function variants in PHEX are known to be pathogenic (PMID: 9097956, 9106524, 19219621). This variant is not present in population databases (gnomAD no frequency). This variant has not been reported in the literature in individuals affected with PHEX-related conditions. For these reasons, this variant has been classified as Pathogenic.

Literature cited by the submitters: PubMed 9097956; PubMed 9106524; PubMed 19219621.